The following is an entry in ClinVar:

NM_001206927.2(DNAH8):c.5719_5729del (p.His1907fs)

Gene: DNAH8 (dynein axonemal heavy chain 8; plus strand). Cytogenetic location: 6p21.2.
Variant type: Deletion.
Coding change: c.5719_5729del on transcript NM_001206927.2 (MANE Select); coding-DNA positions 5719 to 5729, 11 bases deleted (CACTTTCCAGC).
Protein change: p.His1907fs; shifts the reading frame from histidine 1907.
Molecular consequence: frameshift variant.
Genome position (GRCh38, 1-based): chr6:38,853,333-38,853,343, CACTTTCCAGC deleted; deleting any 11 consecutive bases within chr6:38,853,329-38,853,343 gives the same sequence; the c. name uses the placement nearest the transcript's 3' end. VCF-style (leftmost placement, unchanged base first): chr6-38853328-TCAGCCACTTTC-T. GRCh37 (hg19) VCF-style: chr6-38821104-TCAGCCACTTTC-T.
Other names: c.5068_5078del, p.His1690fs (NM_001371.4); short protein forms H1690fs, H1907fs.
Identifiers: ClinVar variation 4738005 (VCV004738005.1).

ClinVar aggregate classification (germline): Pathogenic (1 of 4 stars; one submission).

Conditions:
Primary ciliary dyskinesia. Also called: Ciliary dyskinesia. Identifiers: Orphanet 244, MedGen C0008780, MONDO:0016575, HP:0012265.

Submission:

Labcorp Genetics (formerly Invitae), Labcorp
Classification: Pathogenic for Primary ciliary dyskinesia. Last evaluated: 2025-12-24. Review status: criteria provided, single submitter. Criteria: Invitae Variant Classification Sherloc (09022015). Collection method: clinical testing. Allele origin: germline.
Comment: This sequence change creates a premature translational stop signal (p.His1907Thrfs*21) in the DNAH8 gene. It is expected to result in an absent or disrupted protein product. Loss-of-function variants in DNAH8 are known to be pathogenic (PMID: 24307375, 32619401, 32681648). This variant is present in population databases (no rsID available, gnomAD 0.008%). This variant has not been reported in the literature in individuals affected with DNAH8-related conditions. For these reasons, this variant has been classified as Pathogenic.

Literature cited by the submitters: PubMed 24307375; PubMed 32619401; PubMed 32681648.